The following is an entry in ClinVar:

NM_005204.4(MAP3K8):c.277A>G (p.Asn93Asp)

Gene: MAP3K8 (mitogen-activated protein kinase kinase kinase 8; plus strand). Cytogenetic location: 10p11.23.
Variant type: single nucleotide variant.
Coding change: c.277A>G on transcript NM_005204.4 (MANE Select); coding-DNA position 277, A replaced by G.
Protein change: p.Asn93Asp; replaces asparagine 93 with aspartic acid.
Molecular consequence: missense variant.
Genome position (GRCh38, 1-based): chr10:30,439,215, A>G. VCF-style: chr10-30439215-A-G. GRCh37 (hg19) VCF-style: chr10-30728144-A-G.
Other names: c.277A>G, p.Asn93Asp (NM_001244134.1, NM_001320961.2); short protein forms N93D.
Identifiers: ClinVar variation 1365710 (VCV001365710.8), dbSNP rs2132782702, ClinGen allele CA376435935.

ClinVar aggregate classification (germline): Uncertain significance (1 of 4 stars; one submission).

Submission:

Labcorp Genetics (formerly Invitae), Labcorp
Classification: Uncertain significance. Last evaluated: 2024-10-16. Review status: criteria provided, single submitter. Criteria: Invitae Variant Classification Sherloc (09022015). Collection method: clinical testing. Allele origin: germline.
Comment: This sequence change replaces asparagine, which is neutral and polar, with aspartic acid, which is acidic and polar, at codon 93 of the MAP3K8 protein (p.Asn93Asp). This variant is not present in population databases (gnomAD no frequency). This variant has not been reported in the literature in individuals affected with MAP3K8-related conditions. ClinVar contains an entry for this variant (Variation ID: 1365710). An algorithm developed to predict the effect of missense changes on protein structure and function (PolyPhen-2) suggests that this variant is likely to be tolerated. In summary, the available evidence is currently insufficient to determine the role of this variant in disease. Therefore, it has been classified as a Variant of Uncertain Significance.